The following is an entry in ClinVar:

ClinVar aggregate classification (germline): Benign. Review status: criteria provided, multiple submitters, no conflicts (2 of 4 stars). 3 submissions from 3 submitters: Benign (2). 1 of the submissions does not count toward it. Last evaluated 2026-02-03.

Conditions:
CCDC88A-related disorder. Also called: CCDC88A-related condition.

Allele frequency attached by ClinVar (database versions not stated): gnomAD exomes 0.00110; ExAC 0.00128; gnomAD 0.00439 and 0.00469; 1000 Genomes Project 30x 0.00453; ESP Exome Variant Server 0.00507; TOPMed 0.00509; 1000 Genomes Project 0.00539.
gnomAD v4.1: 1,370 of 1,614,060 alleles (0.085%); highest among the groups gnomAD compares: African/African-American, 1.7%; 24 homozygotes.

Submissions (3):

Labcorp Genetics (formerly Invitae), Labcorp
Classification: Benign. Last evaluated: 2026-02-03. Review status: criteria provided, single submitter. Criteria: Invitae Variant Classification Sherloc (09022015). Collection method: clinical testing. Allele origin: germline.

Breakthrough Genomics
Classification: Benign. Review status: criteria provided, single submitter. Criteria: ACMG Guidelines, 2015. Collection method: not provided. Allele origin: germline. Inheritance: Autosomal recessive inheritance. Affected: yes.

PreventionGenetics, part of Exact Sciences
Classification: Benign for CCDC88A-related condition. Last evaluated: 2019-07-18. Review status: no assertion criteria provided. Collection method: clinical testing. Allele origin: germline. Not counted in ClinVar's aggregate classification.
Comment: This variant is classified as benign based on ACMG/AMP sequence variant interpretation guidelines (Richards et al. 2015 PMID: 25741868, with internal and published modifications).

NM_001365480.1(CCDC88A):c.4501C>G (p.Leu1501Val)

Gene: CCDC88A (coiled-coil and HOOK domain protein 88A; minus strand). Cytogenetic location: 2p16.1.
Variant type: single nucleotide variant.
Coding change: c.4501C>G on transcript NM_001365480.1 (MANE Select); coding-DNA position 4501, C replaced by G.
Protein change: p.Leu1501Val; replaces leucine 1501 with valine.
Molecular consequence: missense variant.
Genome position (GRCh38, 1-based): chr2:55,302,043, G>C on the plus strand (C>G on the coding strand, the complement: CCDC88A is on the minus strand). VCF-style: chr2-55302043-G-C. GRCh37 (hg19) VCF-style: chr2-55529179-G-C.
Other names: c.4498C>G, p.Leu1500Val (NM_001135597.2, NM_001254943.2); c.4417C>G, p.Leu1473Val (NM_018084.5); short protein forms L1473V, L1500V, L1501V.
Identifiers: ClinVar variation 787231 (VCV000787231.14), dbSNP rs150978572, ClinGen allele CA1665564.